The following is an entry in ClinVar:

ClinVar aggregate classification (germline): Likely pathogenic (1 of 4 stars; one submission).

Conditions:
Fabry disease. Also called: ALPHA-GALACTOSIDASE A DEFICIENCY; ANDERSON-FABRY DISEASE; CERAMIDE TRIHEXOSIDASE DEFICIENCY; GLA DEFICIENCY; HEREDITARY DYSTOPIC LIPIDOSIS; Angiokeratoma corporis diffusum. Identifiers: Orphanet 324, MedGen C0002986, MONDO:0010526, OMIM 301500, HP:0001071. Disease mechanism: Fabry disease is due to inactivating mutations in the X-linked GLA gene resulting in deficiency of the enzyme Alpha Galactosidase-A., loss of function.

Submission:

Genomenon, Inc
Classification: Likely pathogenic for Fabry disease. Last evaluated: 2026-09-08. Review status: criteria provided, single submitter. Criteria: Genomenon Sequence Variant Interpretation Standards - Updated. Collection method: curation. Allele origin: germline. Affected: yes.
Comment: GLA p.Thr412Asn (c.1235C>A) is a missense variant that changes the amino acid at codon 412 from Threonine to Asparagine. This variant has been observed in at least one proband with clinical features consistent with Fabry disease (PMID:28736719). At least one functional study has demonstrated a substantial alteration in protein function relative to the wild-type (PMID:27657681). It is absent or not present at a significant frequency in gnomAD. In silico models predict that this variant is possibly or probably damaging. In conclusion, we classify GLA p.Thr412Asn (c.1235C>A) as a likely pathogenic variant.

Literature cited by the submitters: PubMed 28736719; PubMed 27657681.

NM_000169.3(GLA):c.1235C>A (p.Thr412Asn)

Genes: GLA (galactosidase alpha; minus strand), RPL36A-HNRNPH2 (RPL36A-HNRNPH2 readthrough; plus strand). Cytogenetic location: Xq22.1.
Variant type: single nucleotide variant.
Coding change: c.1235C>A on transcript NM_000169.3 (MANE Select); coding-DNA position 1235, C replaced by A.
Protein change: p.Thr412Asn; replaces threonine 412 with asparagine.
Molecular consequence: missense variant. On other transcripts: non-coding transcript variant (3), intron variant (2).
Genome position (GRCh38, 1-based): chrX:101,397,864, G>T on the plus strand (C>A on the coding strand, the complement: GLA is on the minus strand). VCF-style: chrX-101397864-G-T. GRCh37 (hg19) VCF-style: chrX-100652852-G-T.
Other names: c.1358C>A, p.Thr453Asn (NM_001406747.1); c.300+2407G>T (NM_001199973.2); c.177+6042G>T (NM_001199974.2); short protein forms T412N, T453N.
Identifiers: ClinVar variation 4087670 (VCV004087670.2).